The following is an entry in ClinVar:

ClinVar aggregate classification (germline): Uncertain significance (1 of 4 stars; one submission).

Allele frequency attached by ClinVar (database versions not stated): TOPMed below 0.00001; gnomAD exomes 0.00001.
gnomAD v4.1: 7 of 1,610,642 alleles (0.00043%); highest among the groups gnomAD compares: Non-Finnish European, 0.00059%; no homozygotes.

Submission:

Labcorp Genetics (formerly Invitae), Labcorp
Classification: Uncertain significance. Last evaluated: 2023-05-22. Review status: criteria provided, single submitter. Criteria: Invitae Variant Classification Sherloc (09022015). Collection method: clinical testing. Allele origin: germline.
Comment: This variant has not been reported in the literature in individuals affected with PLAA-related conditions. The frequency data for this variant in the population databases is considered unreliable, as metrics indicate poor data quality at this position in the gnomAD database. This sequence change replaces asparagine, which is neutral and polar, with serine, which is neutral and polar, at codon 93 of the PLAA protein (p.Asn93Ser). ClinVar contains an entry for this variant (Variation ID: 2191209). In summary, the available evidence is currently insufficient to determine the role of this variant in disease. Therefore, it has been classified as a Variant of Uncertain Significance. Advanced modeling of protein sequence and biophysical properties (such as structural, functional, and spatial information, amino acid conservation, physicochemical variation, residue mobility, and thermodynamic stability) performed at Invitae indicates that this missense variant is not expected to disrupt PLAA protein function.

NM_001031689.3(PLAA):c.278A>G (p.Asn93Ser)

Gene: PLAA (phospholipase A2 activating protein; minus strand). Cytogenetic location: 9p21.2.
Variant type: single nucleotide variant.
Coding change: c.278A>G on transcript NM_001031689.3 (MANE Select); coding-DNA position 278, A replaced by G.
Protein change: p.Asn93Ser; replaces asparagine 93 with serine.
Molecular consequence: missense variant.
Genome position (GRCh38, 1-based): chr9:26,935,078, T>C on the plus strand (A>G on the coding strand, the complement: PLAA is on the minus strand). VCF-style: chr9-26935078-T-C. GRCh37 (hg19) VCF-style: chr9-26935076-T-C.
Other names: c.278A>G, p.Asn93Ser (NM_001321546.2); short protein forms N93S.
Identifiers: ClinVar variation 2191209 (VCV002191209.4), dbSNP rs1318100344, ClinGen allele CA373111892.
Genomic context (GRCh38, chr9:26,935,078, plus strand): 5'-TTTTTGTGGCCTTTTAGAATATAAAGTGGCATTGGACTGTCCAGTGAGAAAATGCATATA[T>C]TGTGGTCATTTCCACCGGTGGCAATTAGGCCATGAGGGTAGATGTCACTTGAGGGTATGA-3'
Protein context (NP_001026859.1, residues 83-103): GLIATGGNDH[Asn93Ser]ICIFSLDSPM